The following is an entry in ClinVar:

ClinVar aggregate classification (germline): Uncertain significance. Review status: criteria provided, multiple submitters, no conflicts (2 of 4 stars). 2 submissions from 2 submitters: Uncertain significance (2). Last evaluated 2024-11-07.

Allele frequency attached by ClinVar (database versions not stated): gnomAD exomes 0.00001; ExAC 0.00003; gnomAD 0.00006; TOPMed 0.00009; ESP Exome Variant Server 0.00015.
gnomAD v4.1: 20 of 1,613,360 alleles (0.0012%); highest among the groups gnomAD compares: African/African-American, 0.02%; no homozygotes.

Submissions (2):

Ambry Genetics
Classification: Uncertain significance. Last evaluated: 2024-11-07. Review status: criteria provided, single submitter. Criteria: Ambry Variant Classification Scheme 2023. Collection method: clinical testing. Allele origin: germline.

Labcorp Genetics (formerly Invitae), Labcorp
Classification: Uncertain significance. Last evaluated: 2024-01-22. Review status: criteria provided, single submitter. Criteria: Invitae Variant Classification Sherloc (09022015). Collection method: clinical testing. Allele origin: germline.
Comment: This sequence change replaces glutamic acid, which is acidic and polar, with glycine, which is neutral and non-polar, at codon 190 of the DYNC1I1 protein (p.Glu190Gly). This variant is present in population databases (rs370031174, gnomAD 0.04%). This variant has not been reported in the literature in individuals affected with DYNC1I1-related conditions. An algorithm developed to predict the effect of missense changes on protein structure and function (PolyPhen-2) suggests that this variant is likely to be tolerated. In summary, the available evidence is currently insufficient to determine the role of this variant in disease. Therefore, it has been classified as a Variant of Uncertain Significance.

NM_001135556.2(DYNC1I1):c.518A>G (p.Glu173Gly)

Gene: DYNC1I1 (dynein cytoplasmic 1 intermediate chain 1; plus strand). Cytogenetic location: 7q21.3.
Variant type: single nucleotide variant.
Coding change: c.518A>G on transcript NM_001135556.2 (MANE Select); coding-DNA position 518, A replaced by G.
Protein change: p.Glu173Gly; replaces glutamic acid 173 with glycine.
Molecular consequence: missense variant.
Genome position (GRCh38, 1-based): chr7:95,977,539, A>G. VCF-style: chr7-95977539-A-G. GRCh37 (hg19) VCF-style: chr7-95606851-A-G.
Other names: c.458A>G, p.Glu153Gly (NM_001135557.2, NM_001278422.2); c.509A>G, p.Glu170Gly (NM_001278421.2); c.569A>G, p.Glu190Gly (NM_004411.5); c.569A>G (NM_004411.4); short protein forms E153G, E170G, E190G, E173G.
Identifiers: ClinVar variation 2717306 (VCV002717306.4), dbSNP rs370031174, ClinGen allele CA4352282.